The following is an entry in ClinVar:

ClinVar aggregate classification (germline): Conflicting classifications of pathogenicity. Review status: criteria provided, conflicting classifications (1 of 4 stars). 2 submissions from 2 submitters: Uncertain significance (1); Likely benign (1). Last evaluated 2025-03-26.

Submissions (2):

ARUP Laboratories, Molecular Genetics and Genomics, ARUP Laboratories
Classification: Likely benign. Last evaluated: 2025-03-26. Review status: criteria provided, single submitter. Criteria: ARUP Molecular Germline Variant Investigation Process 2024. Collection method: clinical testing. Allele origin: germline.
Comment: The Hb Ravenscourt Park variant (HBA2: c.40G>C; p.Ala14Pro, also known as p.Ala13Pro when numbered from the mature protein, rs281860609, HbVar ID: 1240, ClinVar Variation ID: 801175) is a stable hemoglobin variant with normal oxygen affinity, and has not been associated with any significant clinical symptoms when found with alpha-thal plus (see HbVar link, Giardine 2011, Kattamis 2015). This variant is absent from the Genome Aggregation Database (v2.1.1), indicating it is not a common polymorphism. Computational analyses are uncertain whether this variant is neutral or deleterious (REVEL: 0.585). Based on available information, this variant is considered to be likely benign. References: Link to HbVar database: Giardine B et al. Systematic documentation and analysis of human genetic variation in hemoglobinopathies using the microattribution approach. Nat Genet. 2011;43(4):295-301. PMID: 21423179. Kattamis A et al. Hb Souli, a 6 bp in-frame deletion on the HBA2 gene (HBA2: c.41-46delCCTGGG) leads to alpha-thalassemia intermedia, when in trans to a single a-globin gene deletion. Hemoglobin. 2015;39(1):55-57. PMID: 25476779.

Quest Diagnostics Nichols Institute San Juan Capistrano
Classification: Uncertain significance. Last evaluated: 2021-08-10. Review status: criteria provided, single submitter. Criteria: Quest Diagnostics criteria. Collection method: clinical testing. Allele origin: unknown.
Comment: It has not been reported in large, multi-ethnic general populations. In the published literature, the variant has been briefly reported to be associated with an alpha+ thalassemia phenotype in one study (PMID: 26329872 (2015)). Analysis of this variant using bioinformatics tools for the prediction of the effect of amino acid changes on protein structure and function yielded conflicting predictions that this variant is deleterious or benign. Based on the available information, we are unable to determine the clinical significance of this variant.

Literature cited by the submitters: PubMed 25476779 (cited by Quest Diagnostics Nichols Institute San Juan Capistrano); PubMed 26329872 (cited by Quest Diagnostics Nichols Institute San Juan Capistrano); PubMed 27830006 (cited by Quest Diagnostics Nichols Institute San Juan Capistrano); PubMed 21423179 (cited by Quest Diagnostics Nichols Institute San Juan Capistrano).

NM_000517.6(HBA2):c.40G>C (p.Ala14Pro)

Genes: HBA2 (hemoglobin subunit alpha 2; plus strand), LOC106804612 (hemoglobin subunit alpha 2 recombination region; plus strand). Cytogenetic location: 16p13.3.
Variant type: single nucleotide variant.
Coding change: c.40G>C on transcript NM_000517.6 (MANE Select); coding-DNA position 40, G replaced by C.
Protein change: p.Ala14Pro; replaces alanine 14 with proline.
Molecular consequence: missense variant.
Genome position (GRCh38, 1-based): chr16:172,952, G>C. VCF-style: chr16-172952-G-C. GRCh37 (hg19) VCF-style: chr16-222951-G-C.
Other names: short protein forms A14P.
Identifiers: ClinVar variation 801175 (VCV000801175.13), dbSNP rs281860609, ClinGen allele CA276414354.
Genomic context (GRCh38, chr16:172,952, plus strand): 5'-CAGACTCAGAGAGAACCCACCATGGTGCTGTCTCCTGCCGACAAGACCAACGTCAAGGCC[G>C]CCTGGGGTAAGGTCGGCGCGCACGCTGGCGAGTATGGTGCGGAGGCCCTGGAGAGGTGAG-3'
Protein context (NP_000508.1, residues 4-24): SPADKTNVKA[Ala14Pro]WGKVGAHAGE